The following is an entry in ClinVar:

ClinVar aggregate classification (germline): Uncertain significance (1 of 4 stars; one submission).

Submission:

GeneDx
Classification: Uncertain significance. Last evaluated: 2022-11-16. Review status: criteria provided, single submitter. Criteria: GeneDx Variant Classification Process June 2021. Collection method: clinical testing. Allele origin: germline. Affected: yes.
Comment: Not observed at significant frequency in large population cohorts (gnomAD); In silico analysis supports that this missense variant has a deleterious effect on protein structure/function; Has not been previously published as pathogenic or benign to our knowledge

NM_016148.5(SHANK1):c.1240C>T (p.Pro414Ser)

Gene: SHANK1 (SH3 and multiple ankyrin repeat domains 1; minus strand). Cytogenetic location: 19q13.33.
Variant type: single nucleotide variant.
Coding change: c.1240C>T on transcript NM_016148.5 (MANE Select); coding-DNA position 1240, C replaced by T.
Protein change: p.Pro414Ser; replaces proline 414 with serine.
Molecular consequence: missense variant.
Genome position (GRCh38, 1-based): chr19:50,703,813, G>A on the plus strand (C>T on the coding strand, the complement: SHANK1 is on the minus strand). VCF-style: chr19-50703813-G-A. GRCh37 (hg19) VCF-style: chr19-51207070-G-A.
Other names: short protein forms P414S.
Identifiers: ClinVar variation 2502516 (VCV002502516.1), dbSNP rs2513951927, ClinGen allele CA407036088.